The following is an entry in ClinVar:

NM_002460.4(IRF4):c.1126C>T (p.Arg376Cys)

Genes: IRF4 (interferon regulatory factor 4; plus strand), LOC129995575 (ATAC-STARR-seq lymphoblastoid active region 23845; plus strand). Cytogenetic location: 6p25.3.
Variant type: single nucleotide variant.
Coding change: c.1126C>T on transcript NM_002460.4 (MANE Select); coding-DNA position 1126, C replaced by T.
Protein change: p.Arg376Cys; replaces arginine 376 with cysteine.
Molecular consequence: missense variant. On other transcripts: non-coding transcript variant (1).
Genome position (GRCh38, 1-based): chr6:405,044, C>T. VCF-style: chr6-405044-C-T. GRCh37 (hg19) VCF-style: chr6-405044-C-T.
Other names: c.1123C>T, p.Arg375Cys (NM_001195286.2); short protein forms R375C, R376C.
Identifiers: ClinVar variation 1447969 (VCV001447969.8), dbSNP rs768893830, ClinGen allele CA3612890.

ClinVar aggregate classification (germline): Uncertain significance (1 of 4 stars; one submission).

Allele frequency attached by ClinVar (database versions not stated): gnomAD 0.00001; gnomAD exomes 0.00001 and 0.00002; ExAC 0.00002; TOPMed 0.00003.
gnomAD v4.1: 9 of 1,613,724 alleles (0.00056%); highest among the groups gnomAD compares: South Asian, 0.0011%; no homozygotes.

Submission:

Labcorp Genetics (formerly Invitae), Labcorp
Classification: Uncertain significance. Last evaluated: 2022-06-20. Review status: criteria provided, single submitter. Criteria: Invitae Variant Classification Sherloc (09022015). Collection method: clinical testing. Allele origin: germline.
Comment: This sequence change replaces arginine, which is basic and polar, with cysteine, which is neutral and slightly polar, at codon 376 of the IRF4 protein (p.Arg376Cys). This variant is present in population databases (rs768893830, gnomAD 0.004%). This variant has not been reported in the literature in individuals affected with IRF4-related conditions. Algorithms developed to predict the effect of missense changes on protein structure and function (SIFT, PolyPhen-2, Align-GVGD) all suggest that this variant is likely to be disruptive. In summary, the available evidence is currently insufficient to determine the role of this variant in disease. Therefore, it has been classified as a Variant of Uncertain Significance.